The following is an entry in ClinVar:

ClinVar aggregate classification (germline): Likely pathogenic (1 of 4 stars; one submission).

Conditions:
Usher syndrome type 1D (USH1D). Also called: USHER SYNDROME, TYPE ID. Identifiers: Orphanet 231169, Orphanet 886, MedGen C1832845, MONDO:0010984, OMIM 601067.

Submission:

Ocular Genomics Institute, Massachusetts Eye and Ear
Classification: Likely pathogenic for Usher syndrome type 1D. Last evaluated: 2021-04-08. Review status: criteria provided, single submitter. Criteria: ACMG Guidelines, 2015. Collection method: research. Allele origin: germline. Affected: yes.
Comment: Through a review of available evidence we were able to apply the following criteria: PVS1, PM2. Based on this evidence we have classified this variant as Likely Pathogenic.

NM_022124.6(CDH23):c.7978del (p.Asp2660fs)

Genes: CDH23 (cadherin related 23; plus strand), LOC111982869 (Sharpr-MPRA regulatory region 2121; plus strand). Cytogenetic location: 10q22.1.
Variant type: Deletion.
Coding change: c.7978del on transcript NM_022124.6 (MANE Select); coding-DNA position 7978, one base deleted (G; older notation c.7978delG).
Protein change: p.Asp2660fs; shifts the reading frame from aspartic acid 2660.
Molecular consequence: frameshift variant.
Genome position (GRCh38, 1-based): chr10:71,805,911, G deleted; the last of 3 consecutive G bases (chr10:71,805,909-71,805,911); deleting any one gives the same sequence. VCF-style (leftmost placement, unchanged base first): chr10-71805908-CG-C. GRCh37 (hg19) VCF-style: chr10-73565665-CG-C.
Other names: c.1258del, p.Asp420fs (NM_001171933.1, NM_001171934.1); short protein forms D2660fs, D420fs.
Identifiers: ClinVar variation 1064754 (VCV001064754.1), dbSNP rs2132983724, ClinGen allele CA2499220360.